The following is an entry in ClinVar:

NM_007294.4(BRCA1):c.4358-1893A>C

Gene: BRCA1 (BRCA1 DNA repair associated; minus strand). Cytogenetic location: 17q21.31.
Variant type: single nucleotide variant.
Coding change: c.4358-1893A>C on transcript NM_007294.4 (MANE Select); 1893 bases into the intron before coding-DNA position 4358, A replaced by C.
Molecular consequence: intron variant.
Genome position (GRCh38, 1-based): chr17:43,078,507, T>G on the plus strand (A>C on the coding strand, the complement: BRCA1 is on the minus strand). VCF-style: chr17-43078507-T-G. GRCh37 (hg19) VCF-style: chr17-41230524-T-G.
Other names: IVS 13-1893A>C; c.908-1896A>C (NM_001408458.1, NM_001408461.1, NM_001408459.1 and 1 more transcripts); c.3470-1896A>C (NM_001407967.1); c.3977-1893A>C (NM_001407959.1); c.4091-1893A>C (NM_001407931.1, NM_001407932.1, NM_001407930.1 and 1 more transcripts); c.4214-1893A>C (NM_001407747.1, NM_001407745.1, NM_001407746.1 and 11 more transcripts); c.3974-1893A>C (NM_001407962.1); c.545-1893A>C (NM_001408512.1); and 99 more.
Identifiers: ClinVar variation 209392 (VCV000209392.2), dbSNP rs8176199, ClinGen allele CA276364.

ClinVar aggregate classification (germline): Benign (3 of 4 stars; one submission).

Conditions:
Breast-ovarian cancer, familial, susceptibility to, 1 (BROVCA1). Also called: BRCA1 Hereditary Breast and Ovarian Cancer; OVARIAN CANCER, SUSCEPTIBILITY TO. Identifiers: Orphanet 145, MedGen C2676676, MONDO:0011450, OMIM 604370. Disease mechanism: loss of function.

Allele frequency attached by ClinVar (database versions not stated): TOPMed 0.21720; gnomAD 0.22598 and 0.23266; 1000 Genomes Project 30x 0.25047; 1000 Genomes Project 0.25300.
gnomAD v4.1: 35,461 of 152,220 alleles (23%); highest among the groups gnomAD compares: South Asian, 43%; 4,482 homozygotes.

Submission:

Evidence-based Network for the Interpretation of Germline Mutant Alleles (ENIGMA)
Classification: Benign for Breast-ovarian cancer, familial 1. Last evaluated: 2015-01-12. Review status: reviewed by expert panel. Criteria: ENIGMA BRCA1/2 Classification Criteria (2015). Collection method: curation. Allele origin: germline.
Comment: Class 1 not pathogenic based on frequency >1% in an outbred sampleset. Frequency 0.1626 (Asian), 0.122 (African), 0.2731 (European), derived from 1000 genomes (2012-04-30).